The following is an entry in ClinVar:

NM_006031.6(PCNT):c.6902A>G (p.His2301Arg)

Gene: PCNT (pericentrin; plus strand). Cytogenetic location: 21q22.3.
Variant type: single nucleotide variant.
Coding change: c.6902A>G on transcript NM_006031.6 (MANE Select); coding-DNA position 6902, A replaced by G.
Protein change: p.His2301Arg; replaces histidine 2301 with arginine.
Molecular consequence: missense variant.
Genome position (GRCh38, 1-based): chr21:46,416,820, A>G. VCF-style: chr21-46416820-A-G. GRCh37 (hg19) VCF-style: chr21-47836734-A-G.
Other names: c.6548A>G, p.His2183Arg (NM_001315529.2); short protein forms H2183R, H2301R.
Identifiers: ClinVar variation 3713663 (VCV003713663.2).

ClinVar aggregate classification (germline): Uncertain significance (1 of 4 stars; one submission).

gnomAD v4.1: 1 of 1,598,318 alleles (0.000063%); highest among the groups gnomAD compares: Non-Finnish European, 0.000085%; no homozygotes.

Submission:

Labcorp Genetics (formerly Invitae), Labcorp
Classification: Uncertain significance. Last evaluated: 2025-03-05. Review status: criteria provided, single submitter. Criteria: Invitae Variant Classification Sherloc (09022015). Collection method: clinical testing. Allele origin: germline.
Comment: This sequence change replaces histidine, which is basic and polar, with arginine, which is basic and polar, at codon 2301 of the PCNT protein (p.His2301Arg). This variant is not present in population databases (gnomAD no frequency). This variant has not been reported in the literature in individuals affected with PCNT-related conditions. An algorithm developed to predict the effect of missense changes on protein structure and function outputs the following: PolyPhen-2: "Benign". The arginine amino acid residue is found in multiple mammalian species, which suggests that this missense change does not adversely affect protein function. In summary, the available evidence is currently insufficient to determine the role of this variant in disease. Therefore, it has been classified as a Variant of Uncertain Significance.